The following is an entry in ClinVar:

ClinVar aggregate classification (germline): Uncertain significance (1 of 4 stars; one submission).

gnomAD v4.1: 3 of 1,550,286 alleles (0.00019%); highest among the groups gnomAD compares: Non-Finnish European, 0.00026%; no homozygotes.

Submission:

Labcorp Genetics (formerly Invitae), Labcorp
Classification: Uncertain significance. Last evaluated: 2025-06-20. Review status: criteria provided, single submitter. Criteria: Invitae Variant Classification Sherloc (09022015). Collection method: clinical testing. Allele origin: germline.
Comment: This sequence change replaces glycine, which is neutral and non-polar, with glutamic acid, which is acidic and polar, at codon 273 of the NKX2-1 protein (p.Gly273Glu). This variant is not present in population databases (gnomAD no frequency). This variant has not been reported in the literature in individuals affected with NKX2-1-related conditions. ClinVar contains an entry for this variant (Variation ID: 3711260). An algorithm developed to predict the effect of missense changes on protein structure and function (PolyPhen-2) suggests that this variant is likely to be tolerated. In summary, the available evidence is currently insufficient to determine the role of this variant in disease. Therefore, it has been classified as a Variant of Uncertain Significance.

NM_001079668.3(NKX2-1):c.818G>A (p.Gly273Glu)

Genes: NKX2-1 (NK2 homeobox 1; minus strand), SFTA3 (surfactant associated 3; minus strand). Cytogenetic location: 14q13.3.
Variant type: single nucleotide variant.
Coding change: c.818G>A on transcript NM_001079668.3 (MANE Select); coding-DNA position 818, G replaced by A.
Protein change: p.Gly273Glu; replaces glycine 273 with glutamic acid.
Molecular consequence: missense variant.
Genome position (GRCh38, 1-based): chr14:36,517,666, C>T on the plus strand (G>A on the coding strand, the complement: NKX2-1 is on the minus strand). VCF-style: chr14-36517666-C-T. GRCh37 (hg19) VCF-style: chr14-36986871-C-T.
Other names: c.728G>A, p.Gly243Glu (NM_003317.4); short protein forms G243E, G273E.
Identifiers: ClinVar variation 3711260 (VCV003711260.2).